The following is an entry in ClinVar:

ClinVar aggregate classification (germline): Pathogenic/Likely pathogenic. Review status: criteria provided, multiple submitters, no conflicts (2 of 4 stars). 2 submissions from 2 submitters: Pathogenic (1); Likely pathogenic (1). Last evaluated 2023-10-22.

Conditions:
ELP1-Associated Medulloblastoma. Identifiers: MedGen C5670652.

Submissions (2):

Labcorp Genetics (formerly Invitae), Labcorp
Classification: Pathogenic. Last evaluated: 2023-10-22. Review status: criteria provided, single submitter. Criteria: Invitae Variant Classification Sherloc (09022015). Collection method: clinical testing. Allele origin: germline.
Comment: This sequence change creates a premature translational stop signal (p.Gln169Hisfs*42) in the ELP1 gene. It is expected to result in an absent or disrupted protein product. Loss-of-function variants in ELP1 are known to be pathogenic (PMID: 18303054, 24173031). This variant is not present in population databases (gnomAD no frequency). This variant has not been reported in the literature in individuals affected with ELP1-related conditions. For these reasons, this variant has been classified as Pathogenic.

Institute for Genomic Medicine (IGM) Clinical Laboratory, Nationwide Children's Hospital
Classification: Likely pathogenic for ELP1-Associated Medulloblastoma. Last evaluated: 2023-03-07. Review status: criteria provided, single submitter. Criteria: ACMG Guidelines, 2015. Collection method: clinical testing. Allele origin: germline.
Comment: This variant is predicted to result in loss of function through nonsense-mediated decay of the encoded transcript or premature truncation of the encoded protein in a gene in which loss of function is a known mechanism of disease (ACMG/AMP: PVS1). This variant is absent from or present at an exceedingly low frequency in gnomAD, a large-scale control population database (ACMG/AMP: PM2).

Literature cited by the submitters: PubMed 18303054 (cited by Labcorp Genetics (formerly Invitae), Labcorp); PubMed 24173031 (cited by Labcorp Genetics (formerly Invitae), Labcorp).

NM_003640.5(ELP1):c.505_506dup (p.Gln169fs)

Gene: ELP1 (elongator acetyltransferase complex subunit 1; minus strand). Cytogenetic location: 9q31.3.
Variant type: Microsatellite.
Coding change: c.505_506dup on transcript NM_003640.5 (MANE Select); coding-DNA positions 505 to 506, 2 bases duplicated (CA; older notation c.505_506dupCA).
Protein change: p.Gln169fs; shifts the reading frame from glutamine 169.
Molecular consequence: frameshift variant. On other transcripts: 5 prime UTR variant (1).
Genome position (GRCh38, 1-based): chr9:108,922,888-108,922,889, TG duplicated on the plus strand (CA on the coding strand, the reverse complement: ELP1 is on the minus strand); duplicating any 2 consecutive bases within chr9:108,922,888-108,922,892 gives the same sequence; the c. name uses the placement nearest the transcript's 3' end. VCF-style (leftmost placement, unchanged base first): chr9-108922887-C-CTG. GRCh37 (hg19) VCF-style: chr9-111685167-C-CTG.
Other names: c.163_164dup, p.Gln55fs (NM_001318360.2); c.-357CA[3] (NM_001330749.2); short protein forms Q169fs, Q55fs.
Identifiers: ClinVar variation 2757616 (VCV002757616.4), dbSNP rs1829698275, ClinGen allele CA2697557974.
Genomic context (GRCh38, chr9:108,922,887, plus strand): 5'-TCAAACCAAACTTACCATTTGCATCTGAAAAGCTGCTTGTCTGCCTTCTGATCCATGGAA[C>CTG]TGTGTCTCCTTCCTACCCCATCCAACAGTGATAAACTTGCCTACAGAACAATTGGCAAGA-3'